The following is an entry in ClinVar:

ClinVar aggregate classification (germline): Uncertain significance. Review status: criteria provided, single submitter (1 of 4 stars). 2 submissions from 2 submitters: Uncertain significance (1). 1 of the submissions does not count toward it. Last evaluated 2024-05-10.

Conditions:
Cystic fibrosis (CF). Also called: MUCOVISCIDOSIS. Identifiers: Orphanet 586, MedGen C0010674, MONDO:0009061, OMIM 219700. Disease mechanism: loss of function.
CFTR-related disorder (CFTR-RD). Also called: CFTR-related disorders; CFTR-related condition. Identifiers: MedGen C5924204, MONDO:7770004.

Submissions (2):

Ambry Genetics
Classification: Uncertain significance for Cystic fibrosis. Last evaluated: 2024-05-10. Review status: criteria provided, single submitter. Criteria: Ambry Variant Classification Scheme 2023. Collection method: clinical testing. Allele origin: germline.
Comment: The p.E217Q variant (also known as c.649G>C), located in coding exon 6 of the CFTR gene, results from a G to C substitution at nucleotide position 649. The glutamic acid at codon 217 is replaced by glutamine, an amino acid with highly similar properties. This amino acid position is conserved. In addition, the in silico prediction for this alteration is inconclusive. Based on the available evidence, the clinical significance of this variant remains unclear.

Natera, Inc.
Classification: Uncertain significance for CFTR-related disorders. Last evaluated: 2025-01-22. Review status: no assertion criteria provided. Collection method: clinical testing. Allele origin: germline. Not counted in ClinVar's aggregate classification.

NM_000492.4(CFTR):c.649G>C (p.Glu217Gln)

Gene: CFTR (CF transmembrane conductance regulator; plus strand). Cytogenetic location: 7q31.2.
Variant type: single nucleotide variant.
Coding change: c.649G>C on transcript NM_000492.4 (MANE Select); coding-DNA position 649, G replaced by C.
Protein change: p.Glu217Gln; replaces glutamic acid 217 with glutamine.
Molecular consequence: missense variant.
Genome position (GRCh38, 1-based): chr7:117,535,317, G>C. VCF-style: chr7-117535317-G-C. GRCh37 (hg19) VCF-style: chr7-117175371-G-C.
Other names: short protein forms E217Q.
Identifiers: ClinVar variation 3266667 (VCV003266667.2).